The following is an entry in ClinVar:

NM_001844.5(COL2A1):c.61C>T (p.Leu21Phe)

Gene: COL2A1 (collagen type II alpha 1 chain; minus strand). Cytogenetic location: 12q13.11.
Variant type: single nucleotide variant.
Coding change: c.61C>T on transcript NM_001844.5 (MANE Select); coding-DNA position 61, C replaced by T.
Protein change: p.Leu21Phe; replaces leucine 21 with phenylalanine.
Molecular consequence: missense variant.
Genome position (GRCh38, 1-based): chr12:48,004,261, G>A on the plus strand (C>T on the coding strand, the complement: COL2A1 is on the minus strand). VCF-style: chr12-48004261-G-A. GRCh37 (hg19) VCF-style: chr12-48398044-G-A.
Other names: c.61C>T, p.Leu21Phe (NM_033150.3); short protein forms L21F.
Identifiers: ClinVar variation 2118417 (VCV002118417.4), dbSNP rs11168349, ClinGen allele CA236497872.

ClinVar aggregate classification (germline): Uncertain significance (1 of 4 stars; one submission).

Submission:

Labcorp Genetics (formerly Invitae), Labcorp
Classification: Uncertain significance. Last evaluated: 2022-03-27. Review status: criteria provided, single submitter. Criteria: Invitae Variant Classification Sherloc (09022015). Collection method: clinical testing. Allele origin: germline.
Comment: In summary, the available evidence is currently insufficient to determine the role of this variant in disease. Therefore, it has been classified as a Variant of Uncertain Significance. Advanced modeling of protein sequence and biophysical properties (such as structural, functional, and spatial information, amino acid conservation, physicochemical variation, residue mobility, and thermodynamic stability) performed at Invitae indicates that this missense variant is not expected to disrupt COL2A1 protein function. This variant has not been reported in the literature in individuals affected with COL2A1-related conditions. This variant is not present in population databases (gnomAD no frequency). This sequence change replaces leucine, which is neutral and non-polar, with phenylalanine, which is neutral and non-polar, at codon 21 of the COL2A1 protein (p.Leu21Phe).